The following is an entry in ClinVar:

NM_181426.2(CCDC39):c.1874+1G>A

Gene: CCDC39 (coiled-coil domain 39 molecular ruler complex subunit; minus strand). Cytogenetic location: 3q26.33.
Variant type: single nucleotide variant.
Coding change: c.1874+1G>A on transcript NM_181426.2 (MANE Select); the canonical splice donor site of the intron after coding-DNA position 1874, G replaced by A.
Molecular consequence: splice donor variant.
Genome position (GRCh38, 1-based): chr3:180,641,992, C>T on the plus strand (G>A on the coding strand, the complement: CCDC39 is on the minus strand). VCF-style: chr3-180641992-C-T. GRCh37 (hg19) VCF-style: chr3-180359780-C-T.
Identifiers: ClinVar variation 455015 (VCV000455015.7), dbSNP rs1553803540, ClinGen allele CA355308804.

ClinVar aggregate classification (germline): Pathogenic (1 of 4 stars; one submission).

Conditions:
Primary ciliary dyskinesia. Also called: Ciliary dyskinesia. Identifiers: Orphanet 244, MedGen C0008780, MONDO:0016575, HP:0012265.

Submission:

Labcorp Genetics (formerly Invitae), Labcorp
Classification: Pathogenic for Primary ciliary dyskinesia. Last evaluated: 2017-05-27. Review status: criteria provided, single submitter. Criteria: Invitae Variant Classification Sherloc (09022015). Collection method: clinical testing. Allele origin: germline.
Comment: This variant has not been reported in the literature in individuals with a CCDC39-related disease. For these reasons, this variant has been classified as Pathogenic. Donor and acceptor splice site variants typically lead to a loss of protein function (PMID: 16199547), and loss-of-function variants in CCDC39 are known to be pathogenic (PMID: 21131972, 23255504). This variant is not present in population databases (ExAC no frequency). This sequence change affects a donor splice site in intron 13 of the CCDC39 gene. It is expected to disrupt RNA splicing and likely results in an absent or disrupted protein product.

Literature cited by the submitters: PubMed 16199547; PubMed 21131972; PubMed 23255504.